The following is an entry in ClinVar:

NM_015459.5(ATL3):c.1387T>C (p.Phe463Leu)

Genes: ATL3 (atlastin GTPase 3; minus strand), LNCROPM (lncRNA regulator of PLAAT3 mediated phospholipid metabolism; plus strand). Cytogenetic location: 11q13.1.
Variant type: single nucleotide variant.
Coding change: c.1387T>C on transcript NM_015459.5 (MANE Select); coding-DNA position 1387, T replaced by C.
Protein change: p.Phe463Leu; replaces phenylalanine 463 with leucine.
Molecular consequence: missense variant.
Genome position (GRCh38, 1-based): chr11:63,631,192, A>G on the plus strand (T>C on the coding strand, the complement: ATL3 is on the minus strand). VCF-style: chr11-63631192-A-G. GRCh37 (hg19) VCF-style: chr11-63398664-A-G.
Other names: c.1333T>C, p.Phe445Leu (NM_001290048.2); short protein forms F463L, F445L.
Identifiers: ClinVar variation 3638299 (VCV003638299.2).

ClinVar aggregate classification (germline): Uncertain significance (1 of 4 stars; one submission).

Conditions:
Neuropathy, hereditary sensory, type 1F. Also called: HSN IF; Hereditary sensory neuropathy type IF. Identifiers: Orphanet 36386, MedGen C3810194, MONDO:0014286, OMIM 615632.

Submission:

Labcorp Genetics (formerly Invitae), Labcorp
Classification: Uncertain significance for Neuropathy, hereditary sensory, type 1F. Last evaluated: 2024-02-02. Review status: criteria provided, single submitter. Criteria: Invitae Variant Classification Sherloc (09022015). Collection method: clinical testing. Allele origin: germline.
Comment: This sequence change replaces phenylalanine, which is neutral and non-polar, with leucine, which is neutral and non-polar, at codon 463 of the ATL3 protein (p.Phe463Leu). This variant is not present in population databases (gnomAD no frequency). This variant has not been reported in the literature in individuals affected with ATL3-related conditions. Advanced modeling of protein sequence and biophysical properties (such as structural, functional, and spatial information, amino acid conservation, physicochemical variation, residue mobility, and thermodynamic stability) performed at Invitae indicates that this missense variant is not expected to disrupt ATL3 protein function with a negative predictive value of 80%. In summary, the available evidence is currently insufficient to determine the role of this variant in disease. Therefore, it has been classified as a Variant of Uncertain Significance.